The following is an entry in ClinVar:

ClinVar aggregate classification (germline): Uncertain significance (1 of 4 stars; one submission).

Conditions:
Cerebrooculofacioskeletal syndrome 3 (COFS3). Identifiers: MedGen C1851443, MONDO:0014696, OMIM 616570.

Submission:

Baylor Genetics
Classification: Uncertain significance for Cerebrooculofacioskeletal syndrome 3. Last evaluated: 2021-11-24. Review status: criteria provided, single submitter. Criteria: ACMG Guidelines, 2015. Collection method: clinical testing. Allele origin: unknown. Affected: yes. Study: CSER-TexasKidsCanSeq.
Comment: This variant was determined to be of uncertain significance according to ACMG Guidelines, 2015 [PMID:25741868].

NM_000123.4(ERCC5):c.1339G>A (p.Ala447Thr)

Genes: BIVM-ERCC5 (BIVM-ERCC5 readthrough; plus strand), ERCC5 (ERCC excision repair 5, endonuclease; plus strand). Cytogenetic location: 13q33.1.
Variant type: single nucleotide variant.
Coding change: c.1339G>A on transcript NM_000123.4 (MANE Select); coding-DNA position 1339, G replaced by A.
Protein change: p.Ala447Thr; replaces alanine 447 with threonine.
Molecular consequence: missense variant.
Genome position (GRCh38, 1-based): chr13:102,862,488, G>A. VCF-style: chr13-102862488-G-A. GRCh37 (hg19) VCF-style: chr13-103514838-G-A.
Other names: c.2701G>A, p.Ala901Thr (NM_001204425.2); short protein forms A447T, A901T.
Identifiers: ClinVar variation 1327080 (VCV001327080.1), dbSNP rs2140527689, ClinGen allele CA388572881.